The following is an entry in ClinVar:

NM_003052.5(SLC34A1):c.1840G>T (p.Val614Phe)

Gene: SLC34A1 (solute carrier family 34 member 1; plus strand). Cytogenetic location: 5q35.3.
Variant type: single nucleotide variant.
Coding change: c.1840G>T on transcript NM_003052.5 (MANE Select); coding-DNA position 1840, G replaced by T.
Protein change: p.Val614Phe; replaces valine 614 with phenylalanine.
Molecular consequence: missense variant.
Genome position (GRCh38, 1-based): chr5:177,398,206, G>T. VCF-style: chr5-177398206-G-T. GRCh37 (hg19) VCF-style: chr5-176825207-G-T.
Other names: short protein forms V614F.
Identifiers: ClinVar variation 2429023 (VCV002429023.4), dbSNP rs865956281, ClinGen allele CA132830422.

ClinVar aggregate classification (germline): Uncertain significance (1 of 4 stars; one submission).

Allele frequency attached by ClinVar (database versions not stated): gnomAD exomes below 0.00001; TOPMed 0.00002; gnomAD 0.00003.

Submission:

Greenwood Genetic Center Diagnostic Laboratories, Greenwood Genetic Center
Classification: Uncertain significance. Last evaluated: 2022-12-13. Review status: criteria provided, single submitter. Criteria: ACMG Guidelines, 2015. Collection method: clinical testing. Allele origin: germline. Affected: yes.
Comment: PM2